The following is an entry in ClinVar:

NM_004369.4(COL6A3):c.4286-262A>G

Gene: COL6A3 (collagen type VI alpha 3 chain; minus strand). Cytogenetic location: 2q37.3.
Variant type: single nucleotide variant.
Coding change: c.4286-262A>G on transcript NM_004369.4 (MANE Select); 262 bases into the intron before coding-DNA position 4286, A replaced by G.
Molecular consequence: intron variant.
Genome position (GRCh38, 1-based): chr2:237,369,439, T>C on the plus strand (A>G on the coding strand, the complement: COL6A3 is on the minus strand). VCF-style: chr2-237369439-T-C. GRCh37 (hg19) VCF-style: chr2-238278082-T-C.
Other names: c.2465-262A>G (NM_057166.5); c.3668-262A>G (NM_057167.4).
Identifiers: ClinVar variation 674200 (VCV000674200.1), dbSNP rs180926553, ClinGen allele CA67817071.

ClinVar aggregate classification (germline): Likely benign (1 of 4 stars; one submission).

Allele frequency attached by ClinVar (database versions not stated): gnomAD 0.00782 and 0.00833; TOPMed 0.00857; 1000 Genomes Project 0.00998; 1000 Genomes Project 30x 0.01109.
gnomAD v4.1: 1,179 of 152,356 alleles (0.77%); highest among the groups gnomAD compares: African/African-American, 2.7%; 18 homozygotes.

Submission:

GeneDx
Classification: Likely benign. Last evaluated: 2018-06-19. Review status: criteria provided, single submitter. Criteria: GeneDx Variant Classification (06012015). Collection method: clinical testing. Allele origin: germline. Affected: yes.
Comment: This variant is considered likely benign or benign based on one or more of the following criteria: it is a conservative change, it occurs at a poorly conserved position in the protein, it is predicted to be benign by multiple in silico algorithms, and/or has population frequency not consistent with disease.